The following is an entry in ClinVar:

NM_004370.6(COL12A1):c.5664G>A (p.Leu1888=)

Gene: COL12A1 (collagen type XII alpha 1 chain; minus strand). Cytogenetic location: 6q13.
Variant type: single nucleotide variant.
Coding change: c.5664G>A on transcript NM_004370.6 (MANE Select); coding-DNA position 5664, G replaced by A.
Protein change: p.Leu1888=; no amino-acid change (leucine 1888 retained).
Molecular consequence: synonymous variant.
Genome position (GRCh38, 1-based): chr6:75,133,858, C>T on the plus strand (G>A on the coding strand, the complement: COL12A1 is on the minus strand). VCF-style: chr6-75133858-C-T. GRCh37 (hg19) VCF-style: chr6-75843574-C-T.
Other names: c.5664G>A, p.Leu1888= (NM_001424113.1); c.5643G>A, p.Leu1881= (NM_001424114.1); c.5391G>A, p.Leu1797= (NM_001424115.1); c.2172G>A, p.Leu724= (NM_001424116.1, NM_080645.3).
Identifiers: ClinVar variation 4785391 (VCV004785391.1).

ClinVar aggregate classification (germline): Uncertain significance (1 of 4 stars; one submission).

Conditions:
Ullrich congenital muscular dystrophy 2 (UCMD2). Identifiers: Orphanet 75840, MedGen C4225314, MONDO:0014654, OMIM 616470.
Bethlem myopathy 2 (BTHLM2). Identifiers: Orphanet 536516, Orphanet 610, MedGen C4225313, MONDO:0034022, OMIM 616471.

Submission:

Labcorp Genetics (formerly Invitae), Labcorp
Classification: Uncertain significance for Bethlem myopathy 2; Ullrich congenital muscular dystrophy 2. Last evaluated: 2025-06-30. Review status: criteria provided, single submitter. Criteria: Invitae Variant Classification Sherloc (09022015). Collection method: clinical testing. Allele origin: germline.
Comment: This sequence change affects codon 1888 of the COL12A1 mRNA. It is a 'silent' change, meaning that it does not change the encoded amino acid sequence of the COL12A1 protein. This variant also falls at the last nucleotide of exon 33, which is part of the consensus splice site for this exon. This variant is not present in population databases (gnomAD no frequency). This variant has not been reported in the literature in individuals affected with COL12A1-related conditions. Variants that disrupt the consensus splice site are a relatively common cause of aberrant splicing (PMID: 17576681, 9536098). Algorithms developed to predict the effect of sequence changes on RNA splicing suggest that this variant may disrupt the consensus splice site. In summary, the available evidence is currently insufficient to determine the role of this variant in disease. Therefore, it has been classified as a Variant of Uncertain Significance.

Literature cited by the submitters: PubMed 17576681; PubMed 9536098.